The following is an entry in ClinVar:

NM_032638.5(GATA2):c.186C>G (p.Asn62Lys)

Gene: GATA2 (GATA binding protein 2; minus strand). Cytogenetic location: 3q21.3.
Variant type: single nucleotide variant.
Coding change: c.186C>G on transcript NM_032638.5 (MANE Select); coding-DNA position 186, C replaced by G.
Protein change: p.Asn62Lys; replaces asparagine 62 with lysine.
Molecular consequence: missense variant.
Genome position (GRCh38, 1-based): chr3:128,486,846, G>C on the plus strand (C>G on the coding strand, the complement: GATA2 is on the minus strand). VCF-style: chr3-128486846-G-C. GRCh37 (hg19) VCF-style: chr3-128205689-G-C.
Other names: c.186C>G, p.Asn62Lys (NM_001145661.2, NM_001145662.1); c.186C>G (NM_001145661.1); short protein forms N62K.
Identifiers: ClinVar variation 846368 (VCV000846368.11), dbSNP rs751200779, ClinGen allele CA2600087.

ClinVar aggregate classification (germline): Uncertain significance. Review status: criteria provided, multiple submitters, no conflicts (2 of 4 stars). 5 submissions from 5 submitters: Uncertain significance (5). Last evaluated 2025-12-01.

Conditions:
GATA2-related disorder. Also called: GATA2-Related Disorders; GATA2-related condition.
Inborn genetic diseases. Identifiers: MedGen C0950123, MeSH D030342.
Deafness-lymphedema-leukemia syndrome. Also called: Lymphedema, primary, with myelodysplasia; Emberger syndrome. Identifiers: Orphanet 3226, MedGen C3279664, MONDO:0013540, OMIM 614038.
Monocytopenia with susceptibility to infections. Also called: MONOCYTOPENIA AND MYCOBACTERIAL INFECTION SYNDROME; MONOCYTOPENIA WITH SUSCEPTIBILITY TO MYCOBACTERIAL, FUNGAL, AND PAPILLOMAVIRUS INFECTIONS AND MYELODYSPLASIA; COMBINED IMMUNODEFICIENCY WITH SUSCEPTIBILITY TO MYCOBACTERIAL, VIRAL, AND FUNGAL INFECTIONS; Dendritic cell, monocyte, B lymphocyte, and natural killer lymphocyte deficiency; IMMUNODEFICIENCY 21; GATA2 DEFICIENCY. Identifiers: Orphanet 228423, MedGen C3280030, MONDO:0013607, OMIM 614172.
Acute myeloid leukemia (AML). Also called: Acute myeloid leukemia, adult; AML adult; Acute non-lymphocytic leukemia; Acute granulocytic leukemia; Leukemia, acute myeloid, somatic; Leukemia, acute myelogenous, somatic. Identifiers: Orphanet 519, MedGen C0023467, MeSH D015470, MONDO:0018874, OMIM 601626, HP:0004808. Disease mechanism: Constitutively activated FLT3.

Allele frequency attached by ClinVar (database versions not stated): ExAC 0.00001; gnomAD 0.00001; gnomAD exomes 0.00001; TOPMed 0.00003.
gnomAD v4.1: 93 of 1,611,886 alleles (0.0058%); highest among the groups gnomAD compares: Non-Finnish European, 0.0075%; no homozygotes.

Submissions (5):

Labcorp Genetics (formerly Invitae), Labcorp
Classification: Uncertain significance for Monocytopenia with susceptibility to infections; Deafness-lymphedema-leukemia syndrome. Last evaluated: 2025-12-01. Review status: criteria provided, single submitter. Criteria: Invitae Variant Classification Sherloc (09022015). Collection method: clinical testing. Allele origin: germline.
Comment: This sequence change replaces asparagine, which is neutral and polar, with lysine, which is basic and polar, at codon 62 of the GATA2 protein (p.Asn62Lys). This variant is present in population databases (rs751200779, gnomAD 0.007%). This variant has not been reported in the literature in individuals affected with GATA2-related conditions. ClinVar contains an entry for this variant (Variation ID: 846368). Invitae Evidence Modeling of protein sequence and biophysical properties (such as structural, functional, and spatial information, amino acid conservation, physicochemical variation, residue mobility, and thermodynamic stability) has been performed for this missense variant. However, the output from this modeling did not meet the statistical confidence thresholds required to predict the impact of this variant on GATA2 protein function. In summary, the available evidence is currently insufficient to determine the role of this variant in disease. Therefore, it has been classified as a Variant of Uncertain Significance.

Ambry Genetics
Classification: Uncertain significance for Inborn genetic diseases. Last evaluated: 2025-01-13. Review status: criteria provided, single submitter. Criteria: Ambry Variant Classification Scheme 2023. Collection method: clinical testing. Allele origin: germline.
Comment: The p.N62K variant (also known as c.186C>G), located in coding exon 1 of the GATA2 gene, results from a C to G substitution at nucleotide position 186. The asparagine at codon 62 is replaced by lysine, an amino acid with similar properties. This amino acid position is highly conserved in available vertebrate species. In addition, the in silico prediction for this alteration is inconclusive. Based on the available evidence, the clinical significance of this variant remains unclear.

Baylor Genetics
Classification: Uncertain significance for Acute myeloid leukemia. Last evaluated: 2023-11-17. Review status: criteria provided, single submitter. Criteria: ACMG Guidelines, 2015. Collection method: clinical testing. Allele origin: unknown.

GeneDx
Classification: Uncertain significance. Last evaluated: 2023-03-17. Review status: criteria provided, single submitter. Criteria: GeneDx Variant Classification Process June 2021. Collection method: clinical testing. Allele origin: germline. Affected: yes.
Comment: Not observed at significant frequency in large population cohorts (gnomAD); In silico analysis supports that this missense variant has a deleterious effect on protein structure/function; Has not been previously published as pathogenic or benign to our knowledge

PreventionGenetics, part of Exact Sciences
Classification: Uncertain significance for GATA2-related condition. Last evaluated: 2023-01-19. Review status: criteria provided, single submitter. Criteria: ACMG Guidelines, 2015. Collection method: clinical testing. Allele origin: germline.
Comment: The GATA2 c.186C>G variant is predicted to result in the amino acid substitution p.Asn62Lys. To our knowledge, this variant has not been reported in the literature. This variant is reported in 0.0065% of alleles in individuals of African descent in gnomAD and has been interpreted as uncertain in ClinVar. At this time, the clinical significance of this variant is uncertain due to the absence of conclusive functional and genetic evidence.